The following is an entry in ClinVar:

NM_004385.5(VCAN):c.1063G>T (p.Asp355Tyr)

Gene: VCAN (versican; plus strand). Cytogenetic location: 5q14.3.
Variant type: single nucleotide variant.
Coding change: c.1063G>T on transcript NM_004385.5 (MANE Select); coding-DNA position 1063, G replaced by T.
Protein change: p.Asp355Tyr; replaces aspartic acid 355 with tyrosine.
Molecular consequence: missense variant. On other transcripts: intron variant (2).
Genome position (GRCh38, 1-based): chr5:83,519,369, G>T. VCF-style: chr5-83519369-G-T. GRCh37 (hg19) VCF-style: chr5-82815188-G-T.
Other names: c.1063G>T, p.Asp355Tyr (NM_001164098.2); c.1042+6973G>T (NM_001164097.2, NM_001126336.3); short protein forms D355Y.
Identifiers: ClinVar variation 4699542 (VCV004699542.1).
Genomic context (GRCh38, chr5:83,519,369, plus strand): 5'-AGTGACTTGTCTAATCAACTCTTTGAAATTATTTTTCTAGCTAAAGAGGCTACAACCATC[G>T]ATTTGAGTATCCTCGCAGAAACTGCATCACCCAGTTTATCCAAAGAACCACAAATGGTTT-3'
Protein context (NP_004376.2, residues 345-365): CFKPKEATTI[Asp355Tyr]LSILAETASP

ClinVar aggregate classification (germline): Uncertain significance (1 of 4 stars; one submission).

gnomAD v4.1: 2 of 1,613,918 alleles (0.00012%); highest among the groups gnomAD compares: Middle Eastern, 0.017%; no homozygotes.

Submission:

Labcorp Genetics (formerly Invitae), Labcorp
Classification: Uncertain significance. Last evaluated: 2025-08-25. Review status: criteria provided, single submitter. Criteria: Invitae Variant Classification Sherloc (09022015). Collection method: clinical testing. Allele origin: germline.
Comment: This sequence change replaces aspartic acid, which is acidic and polar, with tyrosine, which is neutral and polar, at codon 355 of the VCAN protein (p.Asp355Tyr). This variant is not present in population databases (gnomAD no frequency). This variant has not been reported in the literature in individuals affected with VCAN-related conditions. An algorithm developed to predict the effect of missense changes on protein structure and function (PolyPhen-2) suggests that this variant is likely to be disruptive. In summary, the available evidence is currently insufficient to determine the role of this variant in disease. Therefore, it has been classified as a Variant of Uncertain Significance.